The following is an entry in ClinVar:

NM_001303256.3(MORC2):c.164G>A (p.Arg55Gln)

Gene: MORC2 (MORC family CW-type zinc finger 2; minus strand). Cytogenetic location: 22q12.2.
Variant type: single nucleotide variant.
Coding change: c.164G>A on transcript NM_001303256.3 (MANE Select); coding-DNA position 164, G replaced by A.
Protein change: p.Arg55Gln; replaces arginine 55 with glutamine.
Molecular consequence: missense variant. On other transcripts: 5 prime UTR variant (1).
Genome position (GRCh38, 1-based): chr22:30,950,439, C>T on the plus strand (G>A on the coding strand, the complement: MORC2 is on the minus strand). VCF-style: chr22-30950439-C-T. GRCh37 (hg19) VCF-style: chr22-31346425-C-T.
Other names: c.164G>A, p.Arg55Gln (NM_001303257.2); c.-23G>A (NM_014941.3); short protein forms R55Q.
Identifiers: ClinVar variation 1015370 (VCV001015370.9), dbSNP rs574524678, ClinGen allele CA10187357.

ClinVar aggregate classification (germline): Uncertain significance (1 of 4 stars; one submission).

Conditions:
Charcot-Marie-Tooth disease axonal type 2Z. Also called: CHARCOT-MARIE-TOOTH DISEASE, AXONAL, AUTOSOMAL DOMINANT, TYPE 2Z; CHARCOT-MARIE-TOOTH NEUROPATHY, TYPE 2Z. Identifiers: Orphanet 466768, MedGen C5569025, MONDO:0014736, OMIM 616688.

Allele frequency attached by ClinVar (database versions not stated): gnomAD 0.00001 and 0.00003; TOPMed 0.00001; gnomAD exomes 0.00002 and 0.00004; ExAC 0.00004; 1000 Genomes Project 0.00040; 1000 Genomes Project 30x 0.00047.
gnomAD v4.1: 41 of 1,608,264 alleles (0.0025%); highest among the groups gnomAD compares: South Asian, 0.034%; no homozygotes.

Submission:

Labcorp Genetics (formerly Invitae), Labcorp
Classification: Uncertain significance for Charcot-Marie-Tooth disease axonal type 2Z. Last evaluated: 2026-01-19. Review status: criteria provided, single submitter. Criteria: Invitae Variant Classification Sherloc (09022015). Collection method: clinical testing. Allele origin: germline.
Comment: This sequence change replaces arginine, which is basic and polar, with glutamine, which is neutral and polar, at codon 55 of the MORC2 protein (p.Arg55Gln). This variant is present in population databases (rs574524678, gnomAD 0.02%). This variant has not been reported in the literature in individuals affected with MORC2-related conditions. ClinVar contains an entry for this variant (Variation ID: 1015370). Invitae Evidence Modeling of protein sequence and biophysical properties (such as structural, functional, and spatial information, amino acid conservation, physicochemical variation, residue mobility, and thermodynamic stability) indicates that this missense variant is expected to disrupt MORC2 protein function with a positive predictive value of 95%. In summary, the available evidence is currently insufficient to determine the role of this variant in disease. Therefore, it has been classified as a Variant of Uncertain Significance.